The following is an entry in ClinVar:

NM_002734.5(PRKAR1A):c.132G>C (p.Glu44Asp)

Gene: PRKAR1A (protein kinase cAMP-dependent type I regulatory subunit alpha; plus strand). Cytogenetic location: 17q24.2.
Variant type: single nucleotide variant.
Coding change: c.132G>C on transcript NM_002734.5 (MANE Select); coding-DNA position 132, G replaced by C.
Protein change: p.Glu44Asp; replaces glutamic acid 44 with aspartic acid.
Molecular consequence: missense variant.
Genome position (GRCh38, 1-based): chr17:68,515,531, G>C. VCF-style: chr17-68515531-G-C. GRCh37 (hg19) VCF-style: chr17-66511672-G-C.
Other names: c.132G>C, p.Glu44Asp (NM_001276289.2, NM_001276290.1, NM_001278433.2 and 4 more transcripts); short protein forms E44D.
Identifiers: ClinVar variation 3222760 (VCV003222760.1), dbSNP rs145590804, ClinGen allele CA400752031.

ClinVar aggregate classification (germline): Uncertain significance (1 of 4 stars; one submission).

Conditions:
Hereditary cancer-predisposing syndrome. Also called: Tumor predisposition; Hereditary neoplastic syndrome; Hereditary Cancer Syndrome; Neoplastic Syndromes, Hereditary. Identifiers: Orphanet 140162, MedGen C0027672, MeSH D009386, MONDO:0015356.

Submission:

Ambry Genetics
Classification: Uncertain significance for Hereditary cancer-predisposing syndrome. Last evaluated: 2024-02-11. Review status: criteria provided, single submitter. Criteria: Ambry Variant Classification Scheme 2023. Collection method: clinical testing. Allele origin: germline.
Comment: The p.E44D variant (also known as c.132G>C), located in coding exon 1 of the PRKAR1A gene, results from a G to C substitution at nucleotide position 132. The glutamic acid at codon 44 is replaced by aspartic acid, an amino acid with highly similar properties. This amino acid position is conserved. In addition, this alteration is predicted to be tolerated by in silico analysis. Based on the available evidence, the clinical significance of this alteration remains unclear.